The following is an entry in ClinVar:

ClinVar aggregate classification (germline): Uncertain significance (1 of 4 stars; one submission).

Conditions:
Kostmann syndrome (SCN3). Also called: KOSTMANN DISEASE; Autosomal recessive severe congenital neutropenia type 3. Identifiers: Orphanet 99749, MedGen C5235141, MONDO:0012548, OMIM 610738.

Allele frequency attached by ClinVar (database versions not stated): ExAC 0.00001; gnomAD 0.00001; TOPMed 0.00001; ESP Exome Variant Server 0.00008.
gnomAD v4.1: 85 of 1,613,280 alleles (0.0053%); highest among the groups gnomAD compares: Non-Finnish European, 0.0064%; no homozygotes.

Submission:

Labcorp Genetics (formerly Invitae), Labcorp
Classification: Uncertain significance for Kostmann syndrome. Last evaluated: 2022-02-20. Review status: criteria provided, single submitter. Criteria: Invitae Variant Classification Sherloc (09022015). Collection method: clinical testing. Allele origin: germline.
Comment: This sequence change replaces glycine, which is neutral and non-polar, with valine, which is neutral and non-polar, at codon 251 of the HAX1 protein (p.Gly251Val). This variant is present in population databases (rs368758310, gnomAD 0.006%). This variant has not been reported in the literature in individuals affected with HAX1-related conditions. Algorithms developed to predict the effect of missense changes on protein structure and function (SIFT, PolyPhen-2, Align-GVGD) all suggest that this variant is likely to be tolerated. Algorithms developed to predict the effect of sequence changes on RNA splicing suggest that this variant may create or strengthen a splice site. In summary, the available evidence is currently insufficient to determine the role of this variant in disease. Therefore, it has been classified as a Variant of Uncertain Significance.

NM_006118.4(HAX1):c.752G>T (p.Gly251Val)

Gene: HAX1 (HCLS1 associated protein X-1; plus strand). Cytogenetic location: 1q21.3.
Variant type: single nucleotide variant.
Coding change: c.752G>T on transcript NM_006118.4 (MANE Select); coding-DNA position 752, G replaced by T.
Protein change: p.Gly251Val; replaces glycine 251 with valine.
Molecular consequence: missense variant.
Genome position (GRCh38, 1-based): chr1:154,275,481, G>T. VCF-style: chr1-154275481-G-T. GRCh37 (hg19) VCF-style: chr1-154247957-G-T.
Other names: c.608G>T, p.Gly203Val (NM_001018837.2); short protein forms G251V, G203V.
Identifiers: ClinVar variation 2141698 (VCV002141698.1), dbSNP rs368758310, ClinGen allele CA1127455.